The following is an entry in ClinVar:

ClinVar aggregate classification (germline): Uncertain significance (1 of 4 stars; one submission).

gnomAD v4.1: 57 of 1,610,994 alleles (0.0035%); highest among the groups gnomAD compares: Admixed American, 0.023%; no homozygotes.

Submission:

Labcorp Genetics (formerly Invitae), Labcorp
Classification: Uncertain significance. Last evaluated: 2025-11-17. Review status: criteria provided, single submitter. Criteria: Invitae Variant Classification Sherloc (09022015). Collection method: clinical testing. Allele origin: germline.
Comment: This sequence change replaces alanine, which is neutral and non-polar, with threonine, which is neutral and polar, at codon 184 of the PROP1 protein (p.Ala184Thr). This variant is present in population databases (rs746409513, gnomAD 0.03%). This variant has not been reported in the literature in individuals affected with PROP1-related conditions. ClinVar contains an entry for this variant (Variation ID: 2153149). An algorithm developed to predict the effect of missense changes on protein structure and function outputs the following: PolyPhen-2: "Benign". The threonine amino acid residue is found in multiple mammalian species, which suggests that this missense change does not adversely affect protein function. In summary, the available evidence is currently insufficient to determine the role of this variant in disease. Therefore, it has been classified as a Variant of Uncertain Significance.

NM_006261.5(PROP1):c.550G>A (p.Ala184Thr)

Gene: PROP1 (PROP paired-like homeobox 1; minus strand). Cytogenetic location: 5q35.3.
Variant type: single nucleotide variant.
Coding change: c.550G>A on transcript NM_006261.5 (MANE Select); coding-DNA position 550, G replaced by A.
Protein change: p.Ala184Thr; replaces alanine 184 with threonine.
Molecular consequence: missense variant.
Genome position (GRCh38, 1-based): chr5:177,992,840, C>T on the plus strand (G>A on the coding strand, the complement: PROP1 is on the minus strand). VCF-style: chr5-177992840-C-T. GRCh37 (hg19) VCF-style: chr5-177419841-C-T.
Other names: short protein forms A184T.
Identifiers: ClinVar variation 2153149 (VCV002153149.2), dbSNP rs746409513, ClinGen allele CA3587504.